The following is an entry in ClinVar:

NM_015512.5(DNAH1):c.8649G>A (p.Glu2883=)

Gene: DNAH1 (dynein axonemal heavy chain 1; plus strand). Cytogenetic location: 3p21.1.
Variant type: single nucleotide variant.
Coding change: c.8649G>A on transcript NM_015512.5 (MANE Select); coding-DNA position 8649, G replaced by A.
Protein change: p.Glu2883=; no amino-acid change (glutamic acid 2883 retained).
Molecular consequence: synonymous variant.
Genome position (GRCh38, 1-based): chr3:52,386,183, G>A. VCF-style: chr3-52386183-G-A. GRCh37 (hg19) VCF-style: chr3-52420199-G-A.
Identifiers: ClinVar variation 3345416 (VCV003345416.1).

ClinVar aggregate classification (germline): Likely benign (0 of 4 stars; one submission).

Conditions:
DNAH1-related disorder. Also called: DNAH1-related condition.

gnomAD v4.1: 3 of 1,613,578 alleles (0.00019%); highest among the groups gnomAD compares: East Asian, 0.0067%; no homozygotes.

Submission:

PreventionGenetics, part of Exact Sciences
Classification: Likely benign for DNAH1-related condition. Last evaluated: 2024-07-18. Review status: no assertion criteria provided. Collection method: clinical testing. Allele origin: germline.
Comment: This variant is classified as likely benign based on ACMG/AMP sequence variant interpretation guidelines (Richards et al. 2015 PMID: 25741868, with internal and published modifications).